The following is an entry in ClinVar:

ClinVar aggregate classification (germline): Uncertain significance. Review status: criteria provided, multiple submitters, no conflicts (2 of 4 stars). 2 submissions from 2 submitters: Uncertain significance (2). Last evaluated 2025-01-06.

Allele frequency attached by ClinVar (database versions not stated): TOPMed below 0.00001; gnomAD 0.00001; gnomAD exomes 0.00001; ExAC 0.00002; 1000 Genomes Project 30x 0.00016; 1000 Genomes Project 0.00020.
gnomAD v4.1: 11 of 1,613,898 alleles (0.00068%); highest among the groups gnomAD compares: Middle Eastern, 0.017%; no homozygotes.

Submissions (2):

Labcorp Genetics (formerly Invitae), Labcorp
Classification: Uncertain significance. Last evaluated: 2025-01-06. Review status: criteria provided, single submitter. Criteria: Invitae Variant Classification Sherloc (09022015). Collection method: clinical testing. Allele origin: germline.
Comment: This sequence change replaces alanine, which is neutral and non-polar, with threonine, which is neutral and polar, at codon 448 of the PCK2 protein (p.Ala448Thr). This variant is present in population databases (rs551184706, gnomAD 0.003%). This variant has not been reported in the literature in individuals affected with PCK2-related conditions. ClinVar contains an entry for this variant (Variation ID: 2086396). Invitae Evidence Modeling of protein sequence and biophysical properties (such as structural, functional, and spatial information, amino acid conservation, physicochemical variation, residue mobility, and thermodynamic stability) indicates that this missense variant is expected to disrupt PCK2 protein function with a positive predictive value of 80%. In summary, the available evidence is currently insufficient to determine the role of this variant in disease. Therefore, it has been classified as a Variant of Uncertain Significance.

Mayo Clinic Laboratories, Mayo Clinic
Classification: Uncertain significance. Last evaluated: 2024-02-13. Review status: criteria provided, single submitter. Criteria: ACMG Guidelines, 2015. Collection method: clinical testing. Allele origin: germline. Observed: 1 variant allele.
Comment: PM2

NM_004563.4(PCK2):c.1342G>A (p.Ala448Thr)

Genes: NRL (neural retina leucine zipper; minus strand), PCK2 (phosphoenolpyruvate carboxykinase 2, mitochondrial; plus strand). Cytogenetic location: 14q12.
Variant type: single nucleotide variant.
Coding change: c.1342G>A on transcript NM_004563.4 (MANE Select); coding-DNA position 1342, G replaced by A.
Protein change: p.Ala448Thr; replaces alanine 448 with threonine.
Molecular consequence: missense variant. On other transcripts: intron variant (3).
Genome position (GRCh38, 1-based): chr14:24,102,860, G>A. VCF-style: chr14-24102860-G-A. GRCh37 (hg19) VCF-style: chr14-24572069-G-A.
Other names: p.Ala448Thr; c.940G>A, p.Ala314Thr (NM_001291556.2, NM_001308054.2); c.-28+11862C>T (NM_001354768.3, NM_001354770.2); c.-254+11862C>T (NM_006177.5); short protein forms A448T, A314T.
Identifiers: ClinVar variation 2086396 (VCV002086396.5), dbSNP rs551184706, ClinGen allele CA7123453.